The following is an entry in ClinVar:

ClinVar aggregate classification (germline): Uncertain significance (1 of 4 stars; one submission).

Conditions:
Chédiak-Higashi syndrome (CHS). Also called: Chediak-Higashi Syndrome. Identifiers: Orphanet 167, MedGen C0007965, MONDO:0008963, OMIM 214500.

Allele frequency attached by ClinVar (database versions not stated): gnomAD exomes 0.00001; ExAC 0.00002.
gnomAD v4.1: 9 of 1,614,160 alleles (0.00056%); highest among the groups gnomAD compares: East Asian, 0.018%; no homozygotes.

Submission:

Labcorp Genetics (formerly Invitae), Labcorp
Classification: Uncertain significance for Chédiak-Higashi syndrome. Last evaluated: 2025-07-17. Review status: criteria provided, single submitter. Criteria: Invitae Variant Classification Sherloc (09022015). Collection method: clinical testing. Allele origin: germline.
Comment: This sequence change replaces methionine, which is neutral and non-polar, with lysine, which is basic and polar, at codon 586 of the LYST protein (p.Met586Lys). This variant is present in population databases (rs770588600, gnomAD 0.02%). This variant has not been reported in the literature in individuals affected with LYST-related conditions. ClinVar contains an entry for this variant (Variation ID: 2115689). Invitae Evidence Modeling of protein sequence and biophysical properties (such as structural, functional, and spatial information, amino acid conservation, physicochemical variation, residue mobility, and thermodynamic stability) indicates that this missense variant is expected to disrupt LYST protein function with a positive predictive value of 80%. In summary, the available evidence is currently insufficient to determine the role of this variant in disease. Therefore, it has been classified as a Variant of Uncertain Significance.

NM_000081.4(LYST):c.1757T>A (p.Met586Lys)

Gene: LYST (lysosomal trafficking regulator; minus strand). Cytogenetic location: 1q42.3.
Variant type: single nucleotide variant.
Coding change: c.1757T>A on transcript NM_000081.4 (MANE Select); coding-DNA position 1757, T replaced by A.
Protein change: p.Met586Lys; replaces methionine 586 with lysine.
Molecular consequence: missense variant.
Genome position (GRCh38, 1-based): chr1:235,809,061, A>T on the plus strand (T>A on the coding strand, the complement: LYST is on the minus strand). VCF-style: chr1-235809061-A-T. GRCh37 (hg19) VCF-style: chr1-235972361-A-T.
Other names: c.1757T>A, p.Met586Lys (NM_001301365.1); short protein forms M586K.
Identifiers: ClinVar variation 2115689 (VCV002115689.3), dbSNP rs770588600, ClinGen allele CA1467407.